The following is an entry in ClinVar:

ClinVar aggregate classification (germline): Pathogenic. Review status: criteria provided, multiple submitters, no conflicts (2 of 4 stars). 3 submissions from 3 submitters: Pathogenic (3). Last evaluated 2024-10-22.

Conditions:
Neuropathy, hereditary sensory and autonomic, type 2A (HSAN2A). Also called: MORVAN DISEASE; NEUROPATHY, CONGENITAL SENSORY; NEUROPATHY, HEREDITARY SENSORY RADICULAR, AUTOSOMAL RECESSIVE; NEUROPATHY, HEREDITARY SENSORY, TYPE IIA; NEUROPATHY, PROGRESSIVE SENSORY, OF CHILDREN; WNK1-Related HSAN2 (HSAN2A). Identifiers: Orphanet 970, MedGen C2752089, MONDO:0024309, OMIM 201300.
Generalized epilepsy with febrile seizures plus, type 7 (GEFSP7). Also called: GEFS+, TYPE 7. Identifiers: Orphanet 36387, MedGen C2751778, MONDO:0013470, OMIM 613863.
Pain insensitivity. Identifiers: MedGen C0344307, HP:0007021.

Allele frequency attached by ClinVar (database versions not stated): gnomAD exomes below 0.00001; gnomAD 0.00001.
gnomAD v4.1: 5 of 1,612,620 alleles (0.00031%); highest among the groups gnomAD compares: South Asian, 0.0022%; no homozygotes.

Submissions (3):

Labcorp Genetics (formerly Invitae), Labcorp
Classification: Pathogenic for Neuropathy, hereditary sensory and autonomic, type 2A; Generalized epilepsy with febrile seizures plus, type 7. Last evaluated: 2024-10-22. Review status: criteria provided, single submitter. Criteria: Invitae Variant Classification Sherloc (09022015). Collection method: clinical testing. Allele origin: germline.
Comment: This sequence change creates a premature translational stop signal (p.Arg548*) in the SCN9A gene. It is expected to result in an absent or disrupted protein product. Loss-of-function variants in SCN9A are known to be pathogenic (PMID: 17470132, 19304393). This variant is present in population databases (no rsID available, gnomAD 0.004%). This premature translational stop signal has been observed in individual(s) with insensitivity to pain (PMID: 374104). ClinVar contains an entry for this variant (Variation ID: 374104). For these reasons, this variant has been classified as Pathogenic.

CeGaT Center for Human Genetics Tuebingen
Classification: Pathogenic. Last evaluated: 2022-05-01. Review status: criteria provided, single submitter. Criteria: CeGaT Center For Human Genetics Tuebingen Variant Classification Criteria Version 2. Collection method: clinical testing. Allele origin: germline. Affected: yes. Observed: 1 variant allele.
Comment: SCN9A: PVS1, PM2, PM3:Supporting

Centre for Mendelian Genomics, University Medical Centre Ljubljana
Classification: Pathogenic for Pain insensitivity. Last evaluated: 2015-04-21. Review status: criteria provided, single submitter. Criteria: ACMG Guidelines, 2015. Collection method: clinical testing. Allele origin: unknown. Affected: yes.

Literature cited by the submitters: PubMed 17470132 (cited by Labcorp Genetics (formerly Invitae), Labcorp); PubMed 19304393 (cited by Labcorp Genetics (formerly Invitae), Labcorp); PubMed 374104 (cited by Labcorp Genetics (formerly Invitae), Labcorp).

NM_001365536.1(SCN9A):c.1642C>T (p.Arg548Ter)

Genes: SCN1A-AS1 (SCN1A and SCN9A antisense RNA 1; plus strand), SCN9A (sodium voltage-gated channel alpha subunit 9; minus strand). Cytogenetic location: 2q24.3.
Variant type: single nucleotide variant.
Coding change: c.1642C>T on transcript NM_001365536.1 (MANE Select); coding-DNA position 1642, C replaced by T.
Protein change: p.Arg548Ter; replaces arginine 548 with a stop codon.
Molecular consequence: nonsense.
Genome position (GRCh38, 1-based): chr2:166,284,785, G>A on the plus strand (C>T on the coding strand, the complement: SCN9A is on the minus strand). VCF-style: chr2-166284785-G-A. GRCh37 (hg19) VCF-style: chr2-167141295-G-A.
Other names: c.1642C>T, p.Arg548Ter (NM_002977.4); short protein forms R548*.
Identifiers: ClinVar variation 374104 (VCV000374104.43), dbSNP rs1057518900, ClinGen allele CA16043378.